The following is an entry in ClinVar:

ClinVar aggregate classification (germline): Uncertain significance (1 of 4 stars; one submission).

Conditions:
Inborn genetic diseases. Identifiers: MedGen C0950123, MeSH D030342.

Allele frequency attached by ClinVar (database versions not stated): gnomAD exomes below 0.00001; ExAC 0.00001.
gnomAD v4.1: 3 of 1,612,546 alleles (0.00019%); highest among the groups gnomAD compares: South Asian, 0.0022%; no homozygotes.

Submission:

Ambry Genetics
Classification: Uncertain significance for Inborn genetic diseases. Last evaluated: 2021-07-23. Review status: criteria provided, single submitter. Criteria: Ambry Variant Classification Scheme 2023. Collection method: clinical testing. Allele origin: germline.
Comment: The p.M883I variant (also known as c.2649G>A), located in coding exon 20 of the LRRK2 gene, results from a G to A substitution at nucleotide position 2649. The methionine at codon 883 is replaced by isoleucine, an amino acid with highly similar properties. This amino acid position is conserved. In addition, this alteration is predicted to be tolerated by in silico analysis. Since supporting evidence is limited at this time, the clinical significance of this alteration remains unclear.

NM_198578.4(LRRK2):c.2649G>A (p.Met883Ile)

Gene: LRRK2 (leucine rich repeat kinase 2; plus strand). Cytogenetic location: 12q12.
Variant type: single nucleotide variant.
Coding change: c.2649G>A on transcript NM_198578.4 (MANE Select); coding-DNA position 2649, G replaced by A.
Protein change: p.Met883Ile; replaces methionine 883 with isoleucine.
Molecular consequence: missense variant.
Genome position (GRCh38, 1-based): chr12:40,287,499, G>A. VCF-style: chr12-40287499-G-A. GRCh37 (hg19) VCF-style: chr12-40681301-G-A.
Other names: short protein forms M883I.
Identifiers: ClinVar variation 1794280 (VCV001794280.2), dbSNP rs752382576, ClinGen allele CA6513691.